The following is an entry in ClinVar:

ClinVar aggregate classification (germline): Pathogenic/Likely pathogenic. Review status: criteria provided, multiple submitters, no conflicts (2 of 4 stars). 2 submissions from 2 submitters: Pathogenic (1); Likely pathogenic (1). Last evaluated 2024-04-23.

Conditions:
Spastic paraplegia. Identifiers: MedGen C0037772, HP:0001258.
Charlevoix-Saguenay spastic ataxia (SACS). Also called: SPASTIC ATAXIA 6, AUTOSOMAL RECESSIVE; Spastic ataxia of Charlevoix-Saguenay; AUTOSOMAL RECESSIVE SPASTIC ATAXIA OF CHARLEVOIX-SAGUENAY. Identifiers: Orphanet 98, MedGen C1849140, MONDO:0010041, OMIM 270550.

Submissions (2):

Fulgent Genetics
Classification: Likely pathogenic for Charlevoix-Saguenay spastic ataxia. Last evaluated: 2024-04-23. Review status: criteria provided, single submitter. Criteria: ACMG Guidelines, 2015. Collection method: clinical testing. Allele origin: germline.

Labcorp Genetics (formerly Invitae), Labcorp
Classification: Pathogenic for Spastic paraplegia. Last evaluated: 2022-08-22. Review status: criteria provided, single submitter. Criteria: Invitae Variant Classification Sherloc (09022015). Collection method: clinical testing. Allele origin: germline.
Comment: This variant is not present in population databases (gnomAD no frequency). For these reasons, this variant has been classified as Pathogenic. ClinVar contains an entry for this variant (Variation ID: 1374280). This variant has not been reported in the literature in individuals affected with SACS-related conditions. This sequence change creates a premature translational stop signal (p.Val543Cysfs*7) in the SACS gene. It is expected to result in an absent or disrupted protein product. Loss-of-function variants in SACS are known to be pathogenic (PMID: 18465152, 20876471).

Literature cited by the submitters: PubMed 18465152 (cited by Labcorp Genetics (formerly Invitae), Labcorp); PubMed 20876471 (cited by Labcorp Genetics (formerly Invitae), Labcorp).

NM_014363.6(SACS):c.1627del (p.Val543fs)

Gene: SACS (sacsin molecular chaperone; minus strand). Cytogenetic location: 13q12.12.
Variant type: Deletion.
Coding change: c.1627del on transcript NM_014363.6 (MANE Select); coding-DNA position 1627, one base deleted (G; older notation c.1627delG).
Protein change: p.Val543fs; shifts the reading frame from valine 543.
Molecular consequence: frameshift variant.
Genome position (GRCh38, 1-based): chr13:23,354,985, C deleted on the plus strand (G on the coding strand, the reverse complement: SACS is on the minus strand); the first of 2 consecutive C bases (chr13:23,354,985-23,354,986); deleting either gives the same sequence. VCF-style (leftmost placement, unchanged base first): chr13-23354984-AC-A. GRCh37 (hg19) VCF-style: chr13-23929123-AC-A.
Other names: c.1186del, p.Val396fs (NM_001278055.2); short protein forms V396fs, V543fs.
Identifiers: ClinVar variation 1374280 (VCV001374280.7), dbSNP rs1870251884, ClinGen allele CA2078658096.